The following is an entry in ClinVar:

ClinVar aggregate classification (germline): Likely benign (1 of 4 stars; one submission).

Allele frequency attached by ClinVar (database versions not stated): gnomAD exomes 0.00072; gnomAD 0.00689 and 0.00738; 1000 Genomes Project 30x 0.00750; TOPMed 0.00756; 1000 Genomes Project 0.00779; ESP Exome Variant Server 0.00898.
gnomAD v4.1: 1,992 of 1,394,038 alleles (0.14%); highest among the groups gnomAD compares: African/African-American, 2.5%; 24 homozygotes.

Submission:

GeneDx
Classification: Likely benign. Last evaluated: 2018-06-16. Review status: criteria provided, single submitter. Criteria: GeneDx Variant Classification (06012015). Collection method: clinical testing. Allele origin: germline. Affected: yes.
Comment: This variant is considered likely benign or benign based on one or more of the following criteria: it is a conservative change, it occurs at a poorly conserved position in the protein, it is predicted to be benign by multiple in silico algorithms, and/or has population frequency not consistent with disease.

NM_030777.4(SLC2A10):c.1548-61C>G

Gene: SLC2A10 (solute carrier family 2 member 10; plus strand). Cytogenetic location: 20q13.12.
Variant type: single nucleotide variant.
Coding change: c.1548-61C>G on transcript NM_030777.4 (MANE Select); 61 bases into the intron before coding-DNA position 1548, C replaced by G.
Molecular consequence: intron variant.
Genome position (GRCh38, 1-based): chr20:46,733,695, C>G. VCF-style: chr20-46733695-C-G. GRCh37 (hg19) VCF-style: chr20-45362334-C-G.
Identifiers: ClinVar variation 676388 (VCV000676388.1), dbSNP rs113249258, ClinGen allele CA315760884.